The following is an entry in ClinVar:

NM_004304.5(ALK):c.280G>C (p.Asp94His)

Gene: ALK (ALK receptor tyrosine kinase; minus strand). Cytogenetic location: 2p23.1.
Variant type: single nucleotide variant.
Coding change: c.280G>C on transcript NM_004304.5 (MANE Select); coding-DNA position 280, G replaced by C.
Protein change: p.Asp94His; replaces aspartic acid 94 with histidine.
Molecular consequence: missense variant.
Genome position (GRCh38, 1-based): chr2:29,920,380, C>G on the plus strand (G>C on the coding strand, the complement: ALK is on the minus strand). VCF-style: chr2-29920380-C-G. GRCh37 (hg19) VCF-style: chr2-30143246-C-G.
Other names: short protein forms D94H.
Identifiers: ClinVar variation 404389 (VCV000404389.10), dbSNP rs1060500234, ClinGen allele CA16610734.

ClinVar aggregate classification (germline): Uncertain significance. Review status: criteria provided, multiple submitters, no conflicts (2 of 4 stars). 3 submissions from 3 submitters: Uncertain significance (3). Last evaluated 2024-11-04.

Conditions:
Hereditary cancer-predisposing syndrome. Also called: Tumor predisposition; Neoplastic Syndromes, Hereditary; Hereditary Cancer Syndrome; Hereditary neoplastic syndrome. Identifiers: Orphanet 140162, MedGen C0027672, MeSH D009386, MONDO:0015356.
Neuroblastoma, susceptibility to, 3. Also called: ALK-Related Neuroblastic Tumor Susceptibility. Identifiers: Orphanet 635, MedGen C2751681, MONDO:0013083, OMIM 613014.

gnomAD v4.1: 1 of 1,562,394 alleles (0.000064%); highest among the groups gnomAD compares: Admixed American, 0.0019%; no homozygotes.

Submissions (3):

Labcorp Genetics (formerly Invitae), Labcorp
Classification: Uncertain significance for Neuroblastoma, susceptibility to, 3. Last evaluated: 2024-11-04. Review status: criteria provided, single submitter. Criteria: Invitae Variant Classification Sherloc (09022015). Collection method: clinical testing. Allele origin: germline.
Comment: This sequence change replaces aspartic acid, which is acidic and polar, with histidine, which is basic and polar, at codon 94 of the ALK protein (p.Asp94His). This variant is not present in population databases (gnomAD no frequency). This variant has not been reported in the literature in individuals affected with ALK-related conditions. ClinVar contains an entry for this variant (Variation ID: 404389). An algorithm developed to predict the effect of missense changes on protein structure and function (PolyPhen-2) suggests that this variant is likely to be disruptive. In summary, the available evidence is currently insufficient to determine the role of this variant in disease. Therefore, it has been classified as a Variant of Uncertain Significance.

Ambry Genetics
Classification: Uncertain significance for Hereditary cancer-predisposing syndrome. Last evaluated: 2024-07-26. Review status: criteria provided, single submitter. Criteria: Ambry Variant Classification Scheme 2023. Collection method: clinical testing. Allele origin: germline.
Comment: The p.D94H variant (also known as c.280G>C), located in coding exon 1 of the ALK gene, results from a G to C substitution at nucleotide position 280. The aspartic acid at codon 94 is replaced by histidine, an amino acid with similar properties. This amino acid position is conserved. In addition, the in silico prediction for this alteration is inconclusive. Based on the available evidence, the clinical significance of this variant remains unclear.

Baylor Genetics
Classification: Uncertain significance for Neuroblastoma, susceptibility to, 3. Last evaluated: 2023-11-09. Review status: criteria provided, single submitter. Criteria: ACMG Guidelines, 2015. Collection method: clinical testing. Allele origin: unknown.